The following is an entry in ClinVar:

ClinVar aggregate classification (germline): Uncertain significance (1 of 4 stars; one submission).

Allele frequency attached by ClinVar (database versions not stated): ExAC 0.00001.
gnomAD v4.1: 5 of 1,614,068 alleles (0.00031%); highest among the groups gnomAD compares: East Asian, 0.0067%; no homozygotes.

Submission:

Labcorp Genetics (formerly Invitae), Labcorp
Classification: Uncertain significance. Last evaluated: 2022-11-17. Review status: criteria provided, single submitter. Criteria: Invitae Variant Classification Sherloc (09022015). Collection method: clinical testing. Allele origin: germline.
Comment: This sequence change replaces arginine, which is basic and polar, with tryptophan, which is neutral and slightly polar, at codon 439 of the TNFAIP3 protein (p.Arg439Trp). This variant is present in population databases (rs751928111, gnomAD 0.01%). This variant has not been reported in the literature in individuals affected with TNFAIP3-related conditions. Advanced modeling of protein sequence and biophysical properties (such as structural, functional, and spatial information, amino acid conservation, physicochemical variation, residue mobility, and thermodynamic stability) performed at Invitae indicates that this missense variant is not expected to disrupt TNFAIP3 protein function. In summary, the available evidence is currently insufficient to determine the role of this variant in disease. Therefore, it has been classified as a Variant of Uncertain Significance.

NM_001270508.2(TNFAIP3):c.1315C>T (p.Arg439Trp)

Gene: TNFAIP3 (TNF alpha induced protein 3; plus strand). Cytogenetic location: 6q23.3.
Variant type: single nucleotide variant.
Coding change: c.1315C>T on transcript NM_001270508.2 (MANE Select); coding-DNA position 1315, C replaced by T.
Protein change: p.Arg439Trp; replaces arginine 439 with tryptophan.
Molecular consequence: missense variant.
Genome position (GRCh38, 1-based): chr6:137,878,760, C>T. VCF-style: chr6-137878760-C-T. GRCh37 (hg19) VCF-style: chr6-138199897-C-T.
Other names: c.1315C>T, p.Arg439Trp (NM_001270507.2, NM_006290.4); short protein forms R439W.
Identifiers: ClinVar variation 2976766 (VCV002976766.3), dbSNP rs751928111, ClinGen allele CA4019613.
Genomic context (GRCh38, chr6:137,878,760, plus strand): 5'-CCAAAGCTGAACTCCAAGCCGGGCCCTGAGGGGCTCCCTGGCATGGCGCTCGGGGCCTCT[C>T]GGGGAGAAGCCTATGAGCCCTTGGCGTGGAACCCTGAGGAGTCCACTGGGGGGCCTCATT-3'
Protein context (NP_001257437.1, residues 429-449): GLPGMALGAS[Arg439Trp]GEAYEPLAWN